The following is an entry in ClinVar:

NM_001170629.2(CHD8):c.6598A>C (p.Ser2200Arg)

Gene: CHD8 (chromodomain helicase DNA binding protein 8; minus strand). Cytogenetic location: 14q11.2.
Variant type: single nucleotide variant.
Coding change: c.6598A>C on transcript NM_001170629.2 (MANE Select); coding-DNA position 6598, A replaced by C.
Protein change: p.Ser2200Arg; replaces serine 2200 with arginine.
Molecular consequence: missense variant.
Genome position (GRCh38, 1-based): chr14:21,392,680, T>G on the plus strand (A>C on the coding strand, the complement: CHD8 is on the minus strand). VCF-style: chr14-21392680-T-G. GRCh37 (hg19) VCF-style: chr14-21860839-T-G.
Other names: c.5761A>C, p.Ser1921Arg (NM_020920.4); short protein forms S2200R, S1921R.
Identifiers: ClinVar variation 4746977 (VCV004746977.1).

ClinVar aggregate classification (germline): Uncertain significance (1 of 4 stars; one submission).

Submission:

Labcorp Genetics (formerly Invitae), Labcorp
Classification: Uncertain significance. Last evaluated: 2025-03-25. Review status: criteria provided, single submitter. Criteria: Invitae Variant Classification Sherloc (09022015). Collection method: clinical testing. Allele origin: germline.
Comment: This sequence change replaces serine, which is neutral and polar, with arginine, which is basic and polar, at codon 2200 of the CHD8 protein (p.Ser2200Arg). This variant is not present in population databases (gnomAD no frequency). This variant has not been reported in the literature in individuals affected with CHD8-related conditions. Invitae Evidence Modeling of protein sequence and biophysical properties (such as structural, functional, and spatial information, amino acid conservation, physicochemical variation, residue mobility, and thermodynamic stability) indicates that this missense variant is not expected to disrupt CHD8 protein function with a negative predictive value of 95%. In summary, the available evidence is currently insufficient to determine the role of this variant in disease. Therefore, it has been classified as a Variant of Uncertain Significance.